The following is an entry in ClinVar:

ClinVar aggregate classification (germline): Likely benign. Review status: criteria provided, multiple submitters, no conflicts (2 of 4 stars). 3 submissions from 3 submitters: Likely benign (3). Last evaluated 2026-01-01.

Conditions:
FG syndrome (FGS). Identifiers: MedGen C0220769, MONDO:0002010.
Familial thoracic aortic aneurysm and aortic dissection (TAAD). Also called: Thoracic aortic aneurysms and dissections. Identifiers: Orphanet 91387, MedGen C4707243, MONDO:0019625.

Allele frequency attached by ClinVar (database versions not stated): gnomAD 0.00001.

Submissions (3):

CeGaT Center for Human Genetics Tuebingen
Classification: Likely benign. Last evaluated: 2026-01-01. Review status: criteria provided, single submitter. Criteria: CeGaT Center For Human Genetics Tuebingen Variant Classification Criteria Version 2. Collection method: clinical testing. Allele origin: germline. Affected: yes. Observed: 1 variant allele.
Comment: MED12: BP4, BP7

Ambry Genetics
Classification: Likely benign for Familial thoracic aortic aneurysm and aortic dissection. Last evaluated: 2023-12-08. Review status: criteria provided, single submitter. Criteria: Ambry Variant Classification Scheme 2023. Collection method: clinical testing. Allele origin: germline.

Labcorp Genetics (formerly Invitae), Labcorp
Classification: Likely benign for FG syndrome. Last evaluated: 2022-09-03. Review status: criteria provided, single submitter. Criteria: Invitae Variant Classification Sherloc (09022015). Collection method: clinical testing. Allele origin: germline.

NM_005120.3(MED12):c.6306G>A (p.Gln2102=)

Gene: MED12 (mediator complex subunit 12; plus strand). Cytogenetic location: Xq13.1.
Variant type: single nucleotide variant.
Coding change: c.6306G>A on transcript NM_005120.3 (MANE Select); coding-DNA position 6306, G replaced by A.
Protein change: p.Gln2102=; no amino-acid change (glutamine 2102 retained).
Molecular consequence: synonymous variant.
Genome position (GRCh38, 1-based): chrX:71,141,268, G>A. VCF-style: chrX-71141268-G-A. GRCh37 (hg19) VCF-style: chrX-70361118-G-A.
Other names: c.6306G>A (NM_005120.2).
Identifiers: ClinVar variation 2091096 (VCV002091096.9), dbSNP rs1185667703, ClinGen allele CA516728484.